The following is an entry in ClinVar:

NM_197968.4(ZMYM2):c.1774_1775del (p.Leu592fs)

Gene: ZMYM2 (zinc finger MYM-type containing 2; plus strand). Cytogenetic location: 13q12.11.
Variant type: Deletion.
Coding change: c.1774_1775del on transcript NM_197968.4 (MANE Select); coding-DNA positions 1774 to 1775, 2 bases deleted (TT; older notation c.1774_1775delTT).
Protein change: p.Leu592fs; shifts the reading frame from leucine 592.
Molecular consequence: frameshift variant. On other transcripts: non-coding transcript variant (1).
Genome position (GRCh38, 1-based): chr13:20,027,241-20,027,242, TT deleted; deleting any 2 consecutive bases within chr13:20,027,240-20,027,242 gives the same sequence; the c. name uses the placement nearest the transcript's 3' end. VCF-style (leftmost placement, unchanged base first): chr13-20027239-CTT-C. GRCh37 (hg19) VCF-style: chr13-20601379-CTT-C.
Other names: c.1774_1775del, p.Leu592fs (NM_001190964.4, NM_001190965.4, NM_001353157.2 and 5 more transcripts); c.1579_1580del, p.Leu527fs (NM_001353161.3); c.1513_1514del, p.Leu505fs (NM_001353163.2); short protein forms L505fs, L527fs, L592fs.
Identifiers: ClinVar variation 4538603 (VCV004538603.1).

ClinVar aggregate classification (germline): Pathogenic (1 of 4 stars; one submission).

Submission:

GeneDx
Classification: Pathogenic. Last evaluated: 2025-06-20. Review status: criteria provided, single submitter. Criteria: GeneDx Variant Classification Process June 2021. Collection method: clinical testing. Allele origin: germline. Affected: yes.
Comment: Frameshift variant predicted to result in protein truncation or nonsense mediated decay in a gene for which loss of function is a known mechanism of disease; Not observed at significant frequency in large population cohorts (gnomAD); Has not been previously published as pathogenic or benign to our knowledge